The following is an entry in ClinVar:

ClinVar aggregate classification (germline): Likely benign. Review status: criteria provided, multiple submitters, no conflicts (2 of 4 stars). 4 submissions from 4 submitters: Likely benign (3). 1 of the submissions does not count toward it. Last evaluated 2026-08-01.

Conditions:
CEP104-related disorder. Also called: CEP104-related condition.
Joubert syndrome 25 (JBTS25). Identifiers: Orphanet 475, MedGen C4084842, MONDO:0014770, OMIM 616781.

Allele frequency attached by ClinVar (database versions not stated): ExAC 0.00017; gnomAD exomes 0.00017 and 0.00023; gnomAD 0.00019 and 0.00022; TOPMed 0.00019; ESP Exome Variant Server 0.00031.
gnomAD v4.1: 351 of 1,613,560 alleles (0.022%); highest among the groups gnomAD compares: Non-Finnish European, 0.028%; no homozygotes.

Submissions (4):

CeGaT Center for Human Genetics Tuebingen
Classification: Likely benign. Last evaluated: 2026-08-01. Review status: criteria provided, single submitter. Criteria: CeGaT Center For Human Genetics Tuebingen Variant Classification Criteria Version 2. Collection method: clinical testing. Allele origin: germline. Affected: yes. Observed: 4 variant alleles.
Comment: CEP104: BP4, BP7

Labcorp Genetics (formerly Invitae), Labcorp
Classification: Likely benign for Joubert syndrome 25. Last evaluated: 2026-01-22. Review status: criteria provided, single submitter. Criteria: Invitae Variant Classification Sherloc (09022015). Collection method: clinical testing. Allele origin: germline.

Blueprint Genetics
Classification: Likely benign. Last evaluated: 2024-11-25. Review status: criteria provided, single submitter. Criteria: ACMG Guidelines, 2015. Collection method: clinical testing. Allele origin: germline.

PreventionGenetics, part of Exact Sciences
Classification: Likely benign for CEP104-related condition. Last evaluated: 2024-04-09. Review status: no assertion criteria provided. Collection method: clinical testing. Allele origin: germline. Not counted in ClinVar's aggregate classification.
Comment: This variant is classified as likely benign based on ACMG/AMP sequence variant interpretation guidelines (Richards et al. 2015 PMID: 25741868, with internal and published modifications).

NM_014704.4(CEP104):c.1851C>T (p.Ala617=)

Genes: CEP104 (centrosomal protein 104; minus strand), LOC126805586 (CDK7 strongly-dependent group 2 enhancer GRCh37_chr1:3745882-3747081; plus strand). Cytogenetic location: 1p36.32.
Variant type: single nucleotide variant.
Coding change: c.1851C>T on transcript NM_014704.4 (MANE Select); coding-DNA position 1851, C replaced by T.
Protein change: p.Ala617=; no amino-acid change (alanine 617 retained).
Molecular consequence: synonymous variant.
Genome position (GRCh38, 1-based): chr1:3,829,983, G>A on the plus strand (C>T on the coding strand, the complement: CEP104 is on the minus strand). VCF-style: chr1-3829983-G-A. GRCh37 (hg19) VCF-style: chr1-3746547-G-A.
Other names: c.1851C>T (NM_014704.3).
Identifiers: ClinVar variation 1661013 (VCV001661013.33), dbSNP rs150585805, ClinGen allele CA551487.